The following is an entry in ClinVar:

NM_198428.3(BBS9):c.1693+4del

Gene: BBS9 (Bardet-Biedl syndrome 9; plus strand). Cytogenetic location: 7p14.3.
Variant type: Deletion.
Coding change: c.1693+4del on transcript NM_198428.3 (MANE Select); 4 bases into the intron after coding-DNA position 1693, one base deleted (A; older notation c.1693+4delA).
Molecular consequence: intron variant.
Genome position (GRCh38, 1-based): chr7:33,357,999, A deleted; the last of 2 consecutive A bases (chr7:33,357,998-33,357,999); deleting either gives the same sequence. VCF-style (leftmost placement, unchanged base first): chr7-33357997-TA-T. GRCh37 (hg19) VCF-style: chr7-33397609-TA-T.
Other names: c.1693+4del (NM_001348036.1, NM_001362679.1, NM_001348041.4 and 1 more transcripts); c.1420+4del (NM_001348038.3); c.1315+4del (NM_001348039.3); c.1678+4del (NM_001033605.2); c.1588+4del (NM_001033604.2); c.1573+4del (NM_014451.4, NM_001348040.3); c.1327+4del (NM_001348037.3, NM_001348045.3, NM_001348046.3); c.1558+4del (NM_001348042.3); and 1 more.
Identifiers: ClinVar variation 1520925 (VCV001520925.6), dbSNP rs2128687729, ClinGen allele CA2573142109.

ClinVar aggregate classification (germline): Uncertain significance (1 of 4 stars; one submission).

Conditions:
Bardet-Biedl syndrome (BBS). Identifiers: Orphanet 110, MedGen C0752166, MONDO:0015229.

Submission:

Labcorp Genetics (formerly Invitae), Labcorp
Classification: Uncertain significance for Bardet-Biedl syndrome. Last evaluated: 2022-07-12. Review status: criteria provided, single submitter. Criteria: Invitae Variant Classification Sherloc (09022015). Collection method: clinical testing. Allele origin: germline.
Comment: This sequence change falls in intron 16 of the BBS9 gene. It does not directly change the encoded amino acid sequence of the BBS9 protein. It affects a nucleotide within the consensus splice site. This variant is not present in population databases (gnomAD no frequency). This variant has not been reported in the literature in individuals affected with BBS9-related conditions. ClinVar contains an entry for this variant (Variation ID: 1520925). Variants that disrupt the consensus splice site are a relatively common cause of aberrant splicing (PMID: 17576681, 9536098). Algorithms developed to predict the effect of sequence changes on RNA splicing suggest that this variant may disrupt the consensus splice site. In summary, the available evidence is currently insufficient to determine the role of this variant in disease. Therefore, it has been classified as a Variant of Uncertain Significance.

Literature cited by the submitters: PubMed 17576681; PubMed 9536098.